The following is an entry in ClinVar:

ClinVar aggregate classification (germline): Uncertain significance (1 of 4 stars; one submission).

Conditions:
Zellweger spectrum disorders (ZS). Also called: Zellweger syndrome; Zellweger Spectrum Disorder (ZSD); Zellweger Spectrum Disorder; Zellweger Spectrum. Identifiers: Orphanet 912, MedGen C0043459, MONDO:0019609.

Submission:

Labcorp Genetics (formerly Invitae), Labcorp
Classification: Uncertain significance for Zellweger spectrum disorders. Last evaluated: 2021-12-02. Review status: criteria provided, single submitter. Criteria: Invitae Variant Classification Sherloc (09022015). Collection method: clinical testing. Allele origin: germline.
Comment: In summary, the available evidence is currently insufficient to determine the role of this variant in disease. Therefore, it has been classified as a Variant of Uncertain Significance. Algorithms developed to predict the effect of missense changes on protein structure and function (SIFT, PolyPhen-2, Align-GVGD) all suggest that this variant is likely to be tolerated. This variant has not been reported in the literature in individuals affected with PEX1-related conditions. This variant is not present in population databases (gnomAD no frequency). This sequence change replaces leucine, which is neutral and non-polar, with valine, which is neutral and non-polar, at codon 660 of the PEX1 protein (p.Leu660Val).

NM_000466.3(PEX1):c.1978C>G (p.Leu660Val)

Gene: PEX1 (peroxisomal biogenesis factor 1; minus strand). Cytogenetic location: 7q21.2.
Variant type: single nucleotide variant.
Coding change: c.1978C>G on transcript NM_000466.3 (MANE Select); coding-DNA position 1978, C replaced by G.
Protein change: p.Leu660Val; replaces leucine 660 with valine.
Molecular consequence: missense variant. On other transcripts: intron variant (1).
Genome position (GRCh38, 1-based): chr7:92,504,825, G>C on the plus strand (C>G on the coding strand, the complement: PEX1 is on the minus strand). VCF-style: chr7-92504825-G-C. GRCh37 (hg19) VCF-style: chr7-92134139-G-C.
Other names: c.1354C>G, p.Leu452Val (NM_001282678.2); c.1900+1423C>G (NM_001282677.2); short protein forms L660V, L452V.
Identifiers: ClinVar variation 1399467 (VCV001399467.8), dbSNP rs2116165647, ClinGen allele CA368183599.